The following is an entry in ClinVar:

NM_003331.5(TYK2):c.187A>G (p.Lys63Glu)

Gene: TYK2 (tyrosine kinase 2; minus strand). Cytogenetic location: 19p13.2.
Variant type: single nucleotide variant.
Coding change: c.187A>G on transcript NM_003331.5 (MANE Select); coding-DNA position 187, A replaced by G.
Protein change: p.Lys63Glu; replaces lysine 63 with glutamic acid.
Molecular consequence: missense variant.
Genome position (GRCh38, 1-based): chr19:10,378,220, T>C on the plus strand (A>G on the coding strand, the complement: TYK2 is on the minus strand). VCF-style: chr19-10378220-T-C. GRCh37 (hg19) VCF-style: chr19-10488896-T-C.
Other names: c.187A>G (NM_003331.4); c.187A>G, p.Lys63Glu (NM_001385197.1, NM_001385198.1, NM_001385199.1 and 8 more transcripts); short protein forms K63E.
Identifiers: ClinVar variation 1014688 (VCV001014688.8), dbSNP rs1249291887, ClinGen allele CA404022615.

ClinVar aggregate classification (germline): Uncertain significance. Review status: criteria provided, multiple submitters, no conflicts (2 of 4 stars). 2 submissions from 2 submitters: Uncertain significance (2). Last evaluated 2025-11-03.

Conditions:
Inborn genetic diseases. Identifiers: MedGen C0950123, MeSH D030342.
Immunodeficiency 35 (IMD35). Also called: HIES WITH ATYPICAL MYCOBACTERIOSIS, AUTOSOMAL RECESSIVE; HYPER-IgE SYNDROME WITH ATYPICAL MYCOBACTERIOSIS, AUTOSOMAL RECESSIVE; Susceptibility to infection due to TYK2 deficiency; TYK2 DEFICIENCY. Identifiers: Orphanet 331226, MedGen C1969086, MONDO:0012682, OMIM 611521.

Allele frequency attached by ClinVar (database versions not stated): gnomAD exomes below 0.00001 and 0.00001; TOPMed below 0.00001; gnomAD 0.00001.
gnomAD v4.1: 3 of 1,612,714 alleles (0.00019%); highest among the groups gnomAD compares: East Asian, 0.0067%; no homozygotes.

Submissions (2):

Ambry Genetics
Classification: Uncertain significance for Inborn genetic diseases. Last evaluated: 2025-11-03. Review status: criteria provided, single submitter. Criteria: Ambry Variant Classification Scheme 2023. Collection method: clinical testing. Allele origin: germline.

Labcorp Genetics (formerly Invitae), Labcorp
Classification: Uncertain significance for Immunodeficiency 35. Last evaluated: 2021-04-14. Review status: criteria provided, single submitter. Criteria: Invitae Variant Classification Sherloc (09022015). Collection method: clinical testing. Allele origin: germline.
Comment: In summary, the available evidence is currently insufficient to determine the role of this variant in disease. Therefore, it has been classified as a Variant of Uncertain Significance. Algorithms developed to predict the effect of missense changes on protein structure and function are either unavailable or do not agree on the potential impact of this missense change (SIFT: "Not Available"; PolyPhen-2: "Benign"; Align-GVGD: "Not Available"). This variant has not been reported in the literature in individuals with TYK2-related conditions. This variant is not present in population databases (ExAC no frequency). This sequence change replaces lysine with glutamic acid at codon 63 of the TYK2 protein (p.Lys63Glu). The lysine residue is moderately conserved and there is a small physicochemical difference between lysine and glutamic acid.